The following is an entry in ClinVar:

NM_006892.4(DNMT3B):c.1150G>A (p.Ala384Thr)

Gene: DNMT3B (DNA methyltransferase 3 beta; plus strand). Cytogenetic location: 20q11.21.
Variant type: single nucleotide variant.
Coding change: c.1150G>A on transcript NM_006892.4 (MANE Select); coding-DNA position 1150, G replaced by A.
Protein change: p.Ala384Thr; replaces alanine 384 with threonine.
Molecular consequence: missense variant.
Genome position (GRCh38, 1-based): chr20:32,795,432, G>A. VCF-style: chr20-32795432-G-A. GRCh37 (hg19) VCF-style: chr20-31383238-G-A.
Other names: p.Ala384Thr; c.964G>A, p.Ala322Thr (NM_001207055.2); c.862G>A, p.Ala288Thr (NM_001207056.2); c.1090G>A, p.Ala364Thr (NM_175848.2, NM_175849.2); c.1126G>A, p.Ala376Thr (NM_175850.3); short protein forms A384T, A322T, A376T, A288T, A364T.
Identifiers: ClinVar variation 461480 (VCV000461480.60), dbSNP rs150682895, ClinGen allele CA9810446.

ClinVar aggregate classification (germline): Benign/Likely benign. Review status: criteria provided, multiple submitters, no conflicts (2 of 4 stars). 10 submissions from 10 submitters: Benign (6); Likely benign (2). 2 of the submissions do not count toward it. Last evaluated 2026-09-01.

Conditions:
Centromeric instability of chromosomes 1,9 and 16 and immunodeficiency (ICF1). Also called: CENTROMERIC INSTABILITY, IMMUNODEFICIENCY SYNDROME; IMMUNE DEFICIENCY, VARIABLE, WITH CENTROMERIC INSTABILITY OF CHROMOSOMES 1, 9, AND 16; IMMUNODEFICIENCY SYNDROME, VARIABLE; Immunodeficiency-centromeric instability-facial anomalies. Identifiers: Orphanet 2268, MedGen C0398788, MONDO:0000133.
Immunodeficiency-centromeric instability-facial anomalies syndrome 1 (ICF1). Identifiers: Orphanet 2268, MedGen C4551557, MONDO:0009454, OMIM 242860.

Allele frequency attached by ClinVar (database versions not stated): 1000 Genomes Project 0.00539; 1000 Genomes Project 30x 0.00547; ExAC 0.00794; TOPMed 0.00896; gnomAD exomes 0.00903 and 0.01062; ESP Exome Variant Server 0.00907; gnomAD 0.00947 and 0.00967.
gnomAD v4.1: 16,952 of 1,614,144 alleles (1.1%); highest among the groups gnomAD compares: Middle Eastern, 1.6%; 115 homozygotes.

Submissions (10):

CeGaT Center for Human Genetics Tuebingen
Classification: Benign. Last evaluated: 2026-09-01. Review status: criteria provided, single submitter. Criteria: CeGaT Center For Human Genetics Tuebingen Variant Classification Criteria Version 2. Collection method: clinical testing. Allele origin: germline. Affected: yes. Observed: 59 variant alleles.
Comment: DNMT3B: BP4, BS1, BS2

Labcorp Genetics (formerly Invitae), Labcorp
Classification: Benign for Centromeric instability of chromosomes 1,9 and 16 and immunodeficiency. Last evaluated: 2026-02-01. Review status: criteria provided, single submitter. Criteria: Invitae Variant Classification Sherloc (09022015). Collection method: clinical testing. Allele origin: germline.

Mayo Clinic Laboratories, Mayo Clinic
Classification: Likely benign. Last evaluated: 2025-10-23. Review status: criteria provided, single submitter. Criteria: ACMG Guidelines, 2015. Collection method: clinical testing. Allele origin: germline. Observed: 1 variant allele.
Comment: BS1, BP4_moderate

ARUP Laboratories, Molecular Genetics and Genomics, ARUP Laboratories
Classification: Benign. Last evaluated: 2025-06-20. Review status: criteria provided, single submitter. Criteria: ARUP Molecular Germline Variant Investigation Process 2024. Collection method: clinical testing. Allele origin: germline.

Blueprint Genetics
Classification: Likely benign. Last evaluated: 2024-11-25. Review status: criteria provided, single submitter. Criteria: ACMG Guidelines, 2015. Collection method: clinical testing. Allele origin: germline.

Illumina Laboratory Services, Illumina
Classification: Benign for Immunodeficiency-centromeric instability-facial anomalies syndrome 1. Last evaluated: 2018-01-13. Review status: criteria provided, single submitter. Criteria: ICSL Variant Classification Criteria 13 December 2019. Collection method: clinical testing. Allele origin: germline.
Comment: This variant was observed in the ICSL laboratory as part of a predisposition screen in an ostensibly healthy population. It had not been previously curated by ICSL or reported in the Human Gene Mutation Database (HGMD: prior to June 1st, 2018), and was therefore a candidate for classification through an automated scoring system. Utilizing variant allele frequency, disease prevalence and penetrance estimates, and inheritance mode, an automated score was calculated to assess if this variant is too frequent to cause the disease. Based on the score and internal cut-off values, a variant classified as benign is not then subjected to further curation. The score for this variant resulted in a classification of benign for this disease.

Genome Diagnostics Laboratory, University Medical Center Utrecht
Classification: Benign for Immunodeficiency-centromeric instability-facial anomalies syndrome 1. Last evaluated: 2014-10-09. Review status: criteria provided, single submitter. Criteria: ACGS Guidelines, 2013. Collection method: clinical testing. Allele origin: germline. Affected: yes. Study: VKGL Data-share Consensus.

Breakthrough Genomics
Classification: Benign. Review status: criteria provided, single submitter. Criteria: ACMG Guidelines, 2015. Collection method: not provided. Allele origin: germline. Inheritance: Autosomal recessive inheritance. Affected: yes.

Diagnostic Laboratory, Department of Genetics, University Medical Center Groningen
Classification: Likely benign for Immunodeficiency-centromeric instability-facial anomalies syndrome 1. Review status: no assertion criteria provided. Collection method: clinical testing. Allele origin: germline. Affected: yes. Study: VKGL Data-share Consensus. Not counted in ClinVar's aggregate classification.

Laboratory of Diagnostic Genome Analysis, Leiden University Medical Center (LUMC)
Classification: Likely benign. Review status: no assertion criteria provided. Collection method: clinical testing. Allele origin: germline. Affected: yes. Study: VKGL Data-share Consensus. Not counted in ClinVar's aggregate classification.